The following is an entry in ClinVar:

NM_000426.4(LAMA2):c.4860+1G>A

Gene: LAMA2 (laminin subunit alpha 2; plus strand). Cytogenetic location: 6q22.33.
Variant type: single nucleotide variant.
Coding change: c.4860+1G>A on transcript NM_000426.4 (MANE Select); the canonical splice donor site of the intron after coding-DNA position 4860, G replaced by A.
Molecular consequence: splice donor variant.
Genome position (GRCh38, 1-based): chr6:129,366,362, G>A. VCF-style: chr6-129366362-G-A. GRCh37 (hg19) VCF-style: chr6-129687507-G-A.
Other names: c.4860+1G>A (NM_001079823.2).
Identifiers: ClinVar variation 2096410 (VCV002096410.4), dbSNP rs2482627503, ClinGen allele CA365623108.

ClinVar aggregate classification (germline): Pathogenic (1 of 4 stars; one submission).

Conditions:
LAMA2-related muscular dystrophy (LAMA2-RD). Also called: Laminin alpha 2-related dystrophy. Identifiers: MedGen C5679788, MONDO:0100228.

Submission:

Labcorp Genetics (formerly Invitae), Labcorp
Classification: Pathogenic for LAMA2-related muscular dystrophy. Last evaluated: 2023-06-28. Review status: criteria provided, single submitter. Criteria: Invitae Variant Classification Sherloc (09022015). Collection method: clinical testing. Allele origin: germline.
Comment: Disruption of this splice site has been observed in individual(s) with clinical features of LAMA2-related conditions (Invitae). In at least one individual the data is consistent with being in trans (on the opposite chromosome) from a pathogenic variant. ClinVar contains an entry for this variant (Variation ID: 2096410). Algorithms developed to predict the effect of sequence changes on RNA splicing suggest that this variant may disrupt the consensus splice site. For these reasons, this variant has been classified as Pathogenic. This variant is not present in population databases (gnomAD no frequency). This sequence change affects a donor splice site in intron 33 of the LAMA2 gene. It is expected to disrupt RNA splicing. Variants that disrupt the donor or acceptor splice site typically lead to a loss of protein function (PMID: 16199547), and loss-of-function variants in LAMA2 are known to be pathogenic (PMID: 18700894, 32904964).

Literature cited by the submitters: PubMed 16199547; PubMed 18700894; PubMed 32904964.